The following is an entry in ClinVar:

NM_000383.4(AIRE):c.996-1G>A

Gene: AIRE (autoimmune regulator; plus strand). Cytogenetic location: 21q22.3.
Variant type: single nucleotide variant.
Coding change: c.996-1G>A on transcript NM_000383.4 (MANE Select); the canonical splice acceptor site of the intron before coding-DNA position 996, G replaced by A.
Molecular consequence: splice acceptor variant.
Genome position (GRCh38, 1-based): chr21:44,292,301, G>A. VCF-style: chr21-44292301-G-A. GRCh37 (hg19) VCF-style: chr21-45712184-G-A.
Identifiers: ClinVar variation 2976238 (VCV002976238.4), dbSNP rs1405105860, ClinGen allele CA410425037.

ClinVar aggregate classification (germline): Likely pathogenic. Review status: criteria provided, multiple submitters, no conflicts (2 of 4 stars). 2 submissions from 2 submitters: Likely pathogenic (2). Last evaluated 2025-04-04.

Conditions:
Polyglandular autoimmune syndrome, type 1 (APS1). Also called: Autoimmune polyendocrine syndrome type 1; AUTOIMMUNE POLYENDOCRINE SYNDROME, TYPE I, WITH OR WITHOUT REVERSIBLE METAPHYSEAL DYSPLASIA; Autoimmune polyendocrinopathy syndrome, type I; Whitaker syndrome; PGA I; APS I. Identifiers: Orphanet 3453, MedGen C0085859, MONDO:0009411, OMIM 240300.

Submissions (2):

Myriad Genetics, Inc.
Classification: Likely pathogenic for Polyglandular autoimmune syndrome, type 1. Last evaluated: 2025-04-04. Review status: criteria provided, single submitter. Criteria: Myriad Autosomal Dominant, Autosomal Recessive and X-Linked Classification Criteria (2023). Collection method: clinical testing. Allele origin: unknown.
Comment: NM_000383.3(AIRE):c.996-1G>A is a variant in a canonical splice site classified as likely pathogenic in the context of autoimmune polyglandular syndrome type 1. c.996-1G>A has not been observed in cases with relevant disease. Relevant functional assessments of this variant are not available in the literature. c.996-1G>A has not been observed in referenced population frequency databases. In summary, NM_000383.3(AIRE):c.996-1G>A is a variant in a canonical splice site in a gene where loss of function is a known mechanism of disease and is predicted to disrupt protein function. Please note: this variant was assessed in the context of healthy population screening.

Labcorp Genetics (formerly Invitae), Labcorp
Classification: Likely pathogenic for Polyglandular autoimmune syndrome, type 1. Last evaluated: 2024-03-04. Review status: criteria provided, single submitter. Criteria: Invitae Variant Classification Sherloc (09022015). Collection method: clinical testing. Allele origin: germline.
Comment: This sequence change affects an acceptor splice site in intron 8 of the AIRE gene. It is expected to disrupt RNA splicing. Variants that disrupt the donor or acceptor splice site typically lead to a loss of protein function (PMID: 16199547), and loss-of-function variants in AIRE are known to be pathogenic (PMID: 11524731, 26141571). This variant is not present in population databases (gnomAD no frequency). This variant has not been reported in the literature in individuals affected with AIRE-related conditions. Algorithms developed to predict the effect of sequence changes on RNA splicing suggest that this variant may disrupt the consensus splice site. In summary, the currently available evidence indicates that the variant is pathogenic, but additional data are needed to prove that conclusively. Therefore, this variant has been classified as Likely Pathogenic.

Literature cited by the submitters: PubMed 16199547 (cited by Labcorp Genetics (formerly Invitae), Labcorp); PubMed 11524731 (cited by Labcorp Genetics (formerly Invitae), Labcorp); PubMed 26141571 (cited by Labcorp Genetics (formerly Invitae), Labcorp).